The following is an entry in ClinVar:

ClinVar aggregate classification (germline): Benign (1 of 4 stars; one submission).

Allele frequency attached by ClinVar (database versions not stated): gnomAD 0.99999; TOPMed 0.99999; 1000 Genomes Project 1.00000; 1000 Genomes Project 30x 1.00000.
gnomAD v4.1: 152,328 of 152,330 alleles (100%); highest among the groups gnomAD compares: Middle Eastern, 100%; 76,163 homozygotes.

Submission:

GeneDx
Classification: Benign. Last evaluated: 2018-06-14. Review status: criteria provided, single submitter. Criteria: GeneDx Variant Classification (06012015). Collection method: clinical testing. Allele origin: germline. Affected: yes.
Comment: This variant is considered likely benign or benign based on one or more of the following criteria: it is a conservative change, it occurs at a poorly conserved position in the protein, it is predicted to be benign by multiple in silico algorithms, and/or has population frequency not consistent with disease.

NM_153717.3(EVC):c.1886+172C>A

Gene: EVC (EvC ciliary complex subunit 1; plus strand). Cytogenetic location: 4p16.2.
Variant type: single nucleotide variant.
Coding change: c.1886+172C>A on transcript NM_153717.3 (MANE Select); 172 bases into the intron after coding-DNA position 1886, C replaced by A.
Molecular consequence: intron variant.
Genome position (GRCh38, 1-based): chr4:5,793,889, C>A. VCF-style: chr4-5793889-C-A. GRCh37 (hg19) VCF-style: chr4-5795616-C-A.
Other names: c.1886+172C>A (NM_001306090.2).
Identifiers: ClinVar variation 667842 (VCV000667842.1), dbSNP rs4689303, ClinGen allele CA91717028.
Genomic context (GRCh38, chr4:5,793,889, plus strand): 5'-GAATGTAAATGACTTAACGTTTCTTAGCCTCGATTTCCTCATCTATAAAATGGGATAATG[C>A]TATCTATTTGATAGAGTTGTCTGTCATAGGAACTTTTTTAAACAGCTTTTTTCAGGTATA-3'